The following is an entry in ClinVar:

ClinVar aggregate classification (germline): Uncertain significance. Review status: criteria provided, multiple submitters, no conflicts (2 of 4 stars). 2 submissions from 2 submitters: Uncertain significance (2). Last evaluated 2022-08-09.

Conditions:
Peroxisome biogenesis disorder. Identifiers: Orphanet 79189, MedGen C1832200, MONDO:0019234. Disease mechanism: loss of function.

Allele frequency attached by ClinVar (database versions not stated): gnomAD exomes below 0.00001.
gnomAD v4.1: 3 of 1,545,654 alleles (0.00019%); highest among the groups gnomAD compares: East Asian, 0.0024%; no homozygotes.

Submissions (2):

Labcorp Genetics (formerly Invitae), Labcorp
Classification: Uncertain significance for Peroxisome biogenesis disorder. Last evaluated: 2022-08-09. Review status: criteria provided, single submitter. Criteria: Invitae Variant Classification Sherloc (09022015). Collection method: clinical testing. Allele origin: germline.
Comment: This sequence change replaces leucine, which is neutral and non-polar, with glutamine, which is neutral and polar, at codon 149 of the PEX6 protein (p.Leu149Gln). This variant is not present in population databases (gnomAD no frequency). This variant has not been reported in the literature in individuals affected with PEX6-related conditions. ClinVar contains an entry for this variant (Variation ID: 593452). Algorithms developed to predict the effect of missense changes on protein structure and function are either unavailable or do not agree on the potential impact of this missense change (SIFT: "Deleterious"; PolyPhen-2: "Probably Damaging"; Align-GVGD: "Class C0"). In summary, the available evidence is currently insufficient to determine the role of this variant in disease. Therefore, it has been classified as a Variant of Uncertain Significance.

Eurofins Ntd Llc (ga)
Classification: Uncertain significance. Last evaluated: 2017-07-28. Review status: criteria provided, single submitter. Criteria: EGL Classification Definitions 2015. Collection method: clinical testing. Allele origin: germline. Observed: 1 variant allele, 1 heterozygote.

NM_000287.4(PEX6):c.446T>A (p.Leu149Gln)

Gene: PEX6 (peroxisomal biogenesis factor 6; minus strand). Cytogenetic location: 6p21.1.
Variant type: single nucleotide variant.
Coding change: c.446T>A on transcript NM_000287.4 (MANE Select); coding-DNA position 446, T replaced by A.
Protein change: p.Leu149Gln; replaces leucine 149 with glutamine.
Molecular consequence: missense variant. On other transcripts: non-coding transcript variant (1).
Genome position (GRCh38, 1-based): chr6:42,978,705, A>T on the plus strand (T>A on the coding strand, the complement: PEX6 is on the minus strand). VCF-style: chr6-42978705-A-T. GRCh37 (hg19) VCF-style: chr6-42946443-A-T.
Other names: c.446T>A, p.Leu149Gln (NM_001316313.2); short protein forms L149Q.
Identifiers: ClinVar variation 593452 (VCV000593452.7), dbSNP rs1561830810, ClinGen allele CA364165407.